The following is an entry in ClinVar:

ClinVar aggregate classification (germline): Uncertain significance (1 of 4 stars; one submission).

Conditions:
Encephalopathy, acute, infection-induced (herpes-specific), susceptibility to, 1. Also called: Herpes simplex encephalitis, susceptibility to, 1. Identifiers: Orphanet 1930, MedGen C2750180, MONDO:0024563, OMIM 610551.

Allele frequency attached by ClinVar (database versions not stated): gnomAD exomes 0.00009 and 0.00003; 1000 Genomes Project 0.00040; gnomAD 0.00017 and 0.00021; 1000 Genomes Project 30x 0.00031; ExAC 0.00014; TOPMed 0.00024; ESP Exome Variant Server 0.00046.
gnomAD v4.1: 68 of 1,606,704 alleles (0.0042%); highest among the groups gnomAD compares: African/African-American, 0.039%; no homozygotes.

Submission:

Labcorp Genetics (formerly Invitae), Labcorp
Classification: Uncertain significance for Encephalopathy, acute, infection-induced (herpes-specific), susceptibility to, 1. Last evaluated: 2025-08-13. Review status: criteria provided, single submitter. Criteria: Invitae Variant Classification Sherloc (09022015). Collection method: clinical testing. Allele origin: germline.
Comment: This sequence change replaces arginine, which is basic and polar, with histidine, which is basic and polar, at codon 643 of the TLR3 protein (p.Arg643His). This variant is present in population databases (rs150315296, gnomAD 0.06%), and has an allele count higher than expected for a pathogenic variant. This variant has not been reported in the literature in individuals affected with TLR3-related conditions. ClinVar contains an entry for this variant (Variation ID: 643822). An algorithm developed to predict the effect of missense changes on protein structure and function (PolyPhen-2) suggests that this variant is likely to be disruptive. In summary, the available evidence is currently insufficient to determine the role of this variant in disease. Therefore, it has been classified as a Variant of Uncertain Significance.

NM_003265.3(TLR3):c.1928G>A (p.Arg643His)

Gene: TLR3 (toll like receptor 3; plus strand). Cytogenetic location: 4q35.1.
Variant type: single nucleotide variant.
Coding change: c.1928G>A on transcript NM_003265.3 (MANE Select); coding-DNA position 1928, G replaced by A.
Protein change: p.Arg643His; replaces arginine 643 with histidine.
Molecular consequence: missense variant.
Genome position (GRCh38, 1-based): chr4:186,083,614, G>A. VCF-style: chr4-186083614-G-A. GRCh37 (hg19) VCF-style: chr4-187004768-G-A.
Other names: short protein forms R643H.
Identifiers: ClinVar variation 643822 (VCV000643822.11), dbSNP rs150315296, ClinGen allele CA3161496.